The following is an entry in ClinVar:

NM_002109.6(HARS1):c.1160A>G (p.Glu387Gly)

Gene: HARS1 (histidyl-tRNA synthetase 1; minus strand). Cytogenetic location: 5q31.3.
Variant type: single nucleotide variant.
Coding change: c.1160A>G on transcript NM_002109.6 (MANE Select); coding-DNA position 1160, A replaced by G.
Protein change: p.Glu387Gly; replaces glutamic acid 387 with glycine.
Molecular consequence: missense variant.
Genome position (GRCh38, 1-based): chr5:140,676,688, T>C on the plus strand (A>G on the coding strand, the complement: HARS1 is on the minus strand). VCF-style: chr5-140676688-T-C. GRCh37 (hg19) VCF-style: chr5-140056273-T-C.
Other names: c.1040A>G, p.Glu347Gly (NM_001258040.3); c.1100A>G, p.Glu367Gly (NM_001258041.3); c.980A>G, p.Glu327Gly (NM_001258042.3); c.938A>G, p.Glu313Gly (NM_001289092.2); c.818A>G, p.Glu273Gly (NM_001289093.2); c.1073A>G, p.Glu358Gly (NM_001289094.2); short protein forms E273G, E327G, E358G, E347G, E387G, E313G, E367G.
Identifiers: ClinVar variation 643854 (VCV000643854.9), dbSNP rs1581503971, ClinGen allele CA361250650.
Genomic context (GRCh38, chr5:140,676,688, plus strand): 5'-TCTTCTACCTACCTCCTAGGACCTACCTCTAGTCTCTGTTCCACGATGGAGAAAATCCGC[T>C]CCACCCCAATGCTGAGCCCCACACATGGCACCTTGCGCCCTTTGGGGTCGAACATGCCCA-3'
Protein context (NP_002100.2, residues 377-397): VPCVGLSIGV[Glu387Gly]RIFSIVEQRL

ClinVar aggregate classification (germline): Uncertain significance (1 of 4 stars; one submission).

Conditions:
Usher syndrome type 3B. Also called: USHER SYNDROME, TYPE IIIB. Identifiers: MedGen C3281066, MONDO:0013788, OMIM 614504.

Submissions (2):

Labcorp Genetics (formerly Invitae), Labcorp
Classification: Uncertain significance for Usher syndrome type 3B. Last evaluated: 2025-06-16. Review status: criteria provided, single submitter. Criteria: Invitae Variant Classification Sherloc (09022015). Collection method: clinical testing. Allele origin: germline.
Comment: This sequence change replaces glutamic acid, which is acidic and polar, with glycine, which is neutral and non-polar, at codon 387 of the HARS protein (p.Glu387Gly). This variant is not present in population databases (gnomAD no frequency). This variant has not been reported in the literature in individuals affected with HARS-related conditions. ClinVar contains an entry for this variant (Variation ID: 643854). Invitae Evidence Modeling of protein sequence and biophysical properties (such as structural, functional, and spatial information, amino acid conservation, physicochemical variation, residue mobility, and thermodynamic stability) indicates that this missense variant is expected to disrupt HARS protein function with a positive predictive value of 80%. In summary, the available evidence is currently insufficient to determine the role of this variant in disease. Therefore, it has been classified as a Variant of Uncertain Significance.

Dr. Peter K. Rogan Lab, Western University
No classification provided (evidence only). Condition: Hepatocellular carcinoma. Review status: no classification provided. Collection method: in vitro. Allele origin: not applicable. Functional consequence: retained intron. Not counted in ClinVar's aggregate classification.